The following is an entry in ClinVar:

NM_000051.4(ATM):c.6262A>G (p.Asn2088Asp)

Genes: ATM (ATM serine/threonine kinase; plus strand), C11orf65 (chromosome 11 open reading frame 65; minus strand). Cytogenetic location: 11q22.3.
Variant type: single nucleotide variant.
Coding change: c.6262A>G on transcript NM_000051.4 (MANE Select); coding-DNA position 6262, A replaced by G.
Protein change: p.Asn2088Asp; replaces asparagine 2088 with aspartic acid.
Molecular consequence: missense variant. On other transcripts: intron variant (2).
Genome position (GRCh38, 1-based): chr11:108,317,436, A>G. VCF-style: chr11-108317436-A-G. GRCh37 (hg19) VCF-style: chr11-108188163-A-G.
Other names: c.6262A>G, p.Asn2088Asp (NM_001351834.2); c.641-8365T>C (NM_001330368.2); c.*39-8365T>C (NM_001351110.2); short protein forms N2088D.
Identifiers: ClinVar variation 490646 (VCV000490646.11), dbSNP rs1205444700, ClinGen allele CA382551891.
Genomic context (GRCh38, chr11:108,317,436, plus strand): 5'-TTGCAGAATTTGGGACTCTGCCATATTCTTTCCGTCTATTTAAAAGGATTGGATTATGAA[A>G]ATAAAGACTGGTGTCCTGAACTAGAAGAACTTCATTACCAAGCAGCATGGAGGAATATGC-3'
Protein context (NP_000042.3, residues 2078-2098): SVYLKGLDYE[Asn2088Asp]KDWCPELEEL

ClinVar aggregate classification (germline): Uncertain significance. Review status: criteria provided, multiple submitters, no conflicts (2 of 4 stars). 2 submissions from 2 submitters: Uncertain significance (2). Last evaluated 2023-12-05.

Conditions:
Hereditary cancer-predisposing syndrome. Also called: Neoplastic Syndromes, Hereditary; Hereditary Cancer Syndrome; Tumor predisposition; Hereditary neoplastic syndrome. Identifiers: Orphanet 140162, MedGen C0027672, MeSH D009386, MONDO:0015356.
Ataxia-telangiectasia syndrome (AT). Also called: LOUIS-BAR SYNDROME; Cerebello-oculocutaneous telangiectasia; Immunodeficiency with ataxia telangiectasia; Ataxia-telangiectasia, complementation group D; AT, COMPLEMENTATION GROUP C; Ataxia-telangiectasia, complementation group E. Identifiers: Orphanet 100, MedGen C0004135, MONDO:0008840, OMIM 208900.

Allele frequency attached by ClinVar (database versions not stated): gnomAD exomes below 0.00001.
gnomAD v4.1: 1 of 1,612,804 alleles (0.000062%); highest among the groups gnomAD compares: South Asian, 0.0011%; no homozygotes.

Submissions (2):

Color Diagnostics, LLC DBA Color Health
Classification: Uncertain significance for Hereditary cancer-predisposing syndrome. Last evaluated: 2023-12-05. Review status: criteria provided, single submitter. Criteria: ACMG Guidelines, 2015. Collection method: clinical testing. Allele origin: germline.
Comment: This missense variant replaces asparagine with aspartic acid at codon 2088 of the ATM protein. Computational prediction suggests that this variant may not impact protein structure and function (internally defined REVEL score threshold <= 0.5, PMID: 27666373). To our knowledge, functional studies have not been reported for this variant. This variant has not been reported in individuals affected with ATM-related disorders in the literature. This variant has been identified in 1/251420 chromosomes in the general population by the Genome Aggregation Database (gnomAD). The available evidence is insufficient to determine the role of this variant in disease conclusively. Therefore, this variant is classified as a Variant of Uncertain Significance.

Labcorp Genetics (formerly Invitae), Labcorp
Classification: Uncertain significance for Ataxia-telangiectasia syndrome. Last evaluated: 2021-09-01. Review status: criteria provided, single submitter. Criteria: Invitae Variant Classification Sherloc (09022015). Collection method: clinical testing. Allele origin: germline.
Comment: This sequence change replaces asparagine with aspartic acid at codon 2088 of the ATM protein (p.Asn2088Asp). The asparagine residue is weakly conserved and there is a small physicochemical difference between asparagine and aspartic acid. This variant is not present in population databases (ExAC no frequency). This variant has not been reported in the literature in individuals affected with ATM-related conditions. ClinVar contains an entry for this variant (Variation ID: 490646). Algorithms developed to predict the effect of missense changes on protein structure and function (SIFT, PolyPhen-2, Align-GVGD) all suggest that this variant is likely to be tolerated. In summary, the available evidence is currently insufficient to determine the role of this variant in disease. Therefore, it has been classified as a Variant of Uncertain Significance.